The following is an entry in ClinVar:

ClinVar aggregate classification (germline): Conflicting classifications of pathogenicity. Review status: criteria provided, conflicting classifications (1 of 4 stars). 2 submissions from 2 submitters: Uncertain significance (1); Likely benign (1). Last evaluated 2025-10-21.

Conditions:
Inborn genetic diseases. Identifiers: MedGen C0950123, MeSH D030342.

gnomAD v4.1: 4 of 1,613,606 alleles (0.00025%); highest among the groups gnomAD compares: East Asian, 0.0022%; no homozygotes.

Submissions (2):

Ambry Genetics
Classification: Likely benign for Inborn genetic diseases. Last evaluated: 2025-10-21. Review status: criteria provided, single submitter. Criteria: Ambry Variant Classification Scheme 2023. Collection method: clinical testing. Allele origin: germline.

Labcorp Genetics (formerly Invitae), Labcorp
Classification: Uncertain significance. Last evaluated: 2025-08-29. Review status: criteria provided, single submitter. Criteria: Invitae Variant Classification Sherloc (09022015). Collection method: clinical testing. Allele origin: germline.
Comment: This sequence change replaces isoleucine, which is neutral and non-polar, with threonine, which is neutral and polar, at codon 962 of the KMT2A protein (p.Ile962Thr). This variant is present in population databases (rs541009116, gnomAD 0.006%). This variant has not been reported in the literature in individuals affected with KMT2A-related conditions. Invitae Evidence Modeling of protein sequence and biophysical properties (such as structural, functional, and spatial information, amino acid conservation, physicochemical variation, residue mobility, and thermodynamic stability) indicates that this missense variant is not expected to disrupt KMT2A protein function with a negative predictive value of 95%. In summary, the available evidence is currently insufficient to determine the role of this variant in disease. Therefore, it has been classified as a Variant of Uncertain Significance.

NM_001197104.2(KMT2A):c.2885T>C (p.Ile962Thr)

Gene: KMT2A (lysine methyltransferase 2A; plus strand). Cytogenetic location: 11q23.3.
Variant type: single nucleotide variant.
Coding change: c.2885T>C on transcript NM_001197104.2 (MANE Select); coding-DNA position 2885, T replaced by C.
Protein change: p.Ile962Thr; replaces isoleucine 962 with threonine.
Molecular consequence: missense variant.
Genome position (GRCh38, 1-based): chr11:118,474,044, T>C. VCF-style: chr11-118474044-T-C. GRCh37 (hg19) VCF-style: chr11-118344759-T-C.
Other names: c.2984T>C, p.Ile995Thr (NM_001412597.1); c.2885T>C, p.Ile962Thr (NM_005933.4); short protein forms I962T, I995T.
Identifiers: ClinVar variation 4623056 (VCV004623056.2).
Genomic context (GRCh38, chr11:118,474,044, plus strand): 5'-GGACTGATATTACTTCTGTGACTCTTGGGGATACAACAGCTGTCAAAACCAAAATACTTA[T>C]AAAGAAAGGGAGAGGAAATCTGGAAAAAACCAACTTGGACCTCGGCCCAACTGCCCCATC-3'
Protein context (NP_001184033.1, residues 952-972): DTTAVKTKIL[Ile962Thr]KKGRGNLEKT